The following is an entry in ClinVar:

NM_014402.5(UQCRQ):c.*678G>A

Gene: UQCRQ (ubiquinol-cytochrome c reductase complex III subunit VII; plus strand). Cytogenetic location: 5q31.1.
Variant type: single nucleotide variant.
Coding change: c.*678G>A on transcript NM_014402.5 (MANE Select); 678 bases downstream of the stop codon, G replaced by A.
Molecular consequence: 3 prime UTR variant.
Genome position (GRCh38, 1-based): chr5:132,868,260, G>A. VCF-style: chr5-132868260-G-A. GRCh37 (hg19) VCF-style: chr5-132203952-G-A.
Identifiers: ClinVar variation 350851 (VCV000350851.5), dbSNP rs55767930, ClinGen allele CA10619020.

ClinVar aggregate classification (germline): Benign (1 of 4 stars; one submission).

Conditions:
Mitochondrial complex III deficiency nuclear type 4. Identifiers: MedGen C3554607, MONDO:0014065, OMIM 615159.

Allele frequency attached by ClinVar (database versions not stated): 1000 Genomes Project 30x 0.10384; 1000 Genomes Project 0.10543; TOPMed 0.10808; gnomAD 0.11178 and 0.11531.
gnomAD v4.1: 17,576 of 152,286 alleles (12%); highest among the groups gnomAD compares: South Asian, 20%; 1,287 homozygotes.

Submission:

Illumina Laboratory Services, Illumina
Classification: Benign for Mitochondrial complex III deficiency nuclear type 4. Last evaluated: 2018-01-12. Review status: criteria provided, single submitter. Criteria: ICSL Variant Classification Criteria 13 December 2019. Collection method: clinical testing. Allele origin: germline.
Comment: This variant was observed in the ICSL laboratory as part of a predisposition screen in an ostensibly healthy population. It had not been previously curated by ICSL or reported in the Human Gene Mutation Database (HGMD: prior to June 1st, 2018), and was therefore a candidate for classification through an automated scoring system. Utilizing variant allele frequency, disease prevalence and penetrance estimates, and inheritance mode, an automated score was calculated to assess if this variant is too frequent to cause the disease. Based on the score and internal cut-off values, a variant classified as benign is not then subjected to further curation. The score for this variant resulted in a classification of benign for this disease.